The following is an entry in ClinVar:

ClinVar aggregate classification (germline): Uncertain significance (1 of 4 stars; one submission).

Conditions:
Congenital myasthenic syndrome 8. Also called: MYASTHENIC SYNDROME, CONGENITAL, DUE TO AGRIN DEFICIENCY; Myasthenic syndrome, congenital, 8, with pre- and postsynaptic defects. Identifiers: Orphanet 590, MedGen C3808739, MONDO:0014052, OMIM 615120.

Allele frequency attached by ClinVar (database versions not stated): gnomAD 0.00001 and 0.00002; gnomAD exomes 0.00001 and 0.00004; ExAC 0.00002; TOPMed 0.00005.
gnomAD v4.1: 22 of 1,602,364 alleles (0.0014%); highest among the groups gnomAD compares: East Asian, 0.0089%; no homozygotes.

Submission:

Labcorp Genetics (formerly Invitae), Labcorp
Classification: Uncertain significance for Congenital myasthenic syndrome 8. Last evaluated: 2022-03-26. Review status: criteria provided, single submitter. Criteria: Invitae Variant Classification Sherloc (09022015). Collection method: clinical testing. Allele origin: germline.
Comment: This sequence change replaces aspartic acid, which is acidic and polar, with asparagine, which is neutral and polar, at codon 570 of the AGRN protein (p.Asp570Asn). This variant is present in population databases (rs374232667, gnomAD 0.03%). This variant has not been reported in the literature in individuals affected with AGRN-related conditions. Algorithms developed to predict the effect of missense changes on protein structure and function are either unavailable or do not agree on the potential impact of this missense change (SIFT: "Deleterious"; PolyPhen-2: "Possibly Damaging"; Align-GVGD: "Class C0"). In summary, the available evidence is currently insufficient to determine the role of this variant in disease. Therefore, it has been classified as a Variant of Uncertain Significance.

NM_198576.4(AGRN):c.1708G>A (p.Asp570Asn)

Gene: AGRN (agrin; plus strand). Cytogenetic location: 1p36.33.
Variant type: single nucleotide variant.
Coding change: c.1708G>A on transcript NM_198576.4 (MANE Select); coding-DNA position 1708, G replaced by A.
Protein change: p.Asp570Asn; replaces aspartic acid 570 with asparagine.
Molecular consequence: missense variant.
Genome position (GRCh38, 1-based): chr1:1,043,642, G>A. VCF-style: chr1-1043642-G-A. GRCh37 (hg19) VCF-style: chr1-979022-G-A.
Other names: c.1708G>A, p.Asp570Asn (NM_001305275.2); c.1393G>A, p.Asp465Asn (NM_001364727.2); short protein forms D465N, D570N.
Identifiers: ClinVar variation 1503383 (VCV001503383.5), dbSNP rs374232667, ClinGen allele CA508300.